The following is an entry in ClinVar:

NM_022455.5(NSD1):c.5348A>G (p.Asn1783Ser)

Genes: NSD1 (nuclear receptor binding SET domain protein 1; plus strand), LOC126807619 (MED14-independent group 3 enhancer GRCh37_chr5:176696443-176697642; plus strand). Cytogenetic location: 5q35.3.
Variant type: single nucleotide variant.
Coding change: c.5348A>G on transcript NM_022455.5 (MANE Select); coding-DNA position 5348, A replaced by G.
Protein change: p.Asn1783Ser; replaces asparagine 1783 with serine.
Molecular consequence: missense variant.
Genome position (GRCh38, 1-based): chr5:177,269,646, A>G. VCF-style: chr5-177269646-A-G. GRCh37 (hg19) VCF-style: chr5-176696647-A-G.
Other names: c.4475A>G, p.Asn1492Ser (NM_001365684.2, NM_001409308.1, NM_001409309.1 and 1 more transcripts); c.5348A>G, p.Asn1783Ser (NM_001409301.1, NM_001409302.1, NM_001409303.1); c.4928A>G, p.Asn1643Ser (NM_001409304.1); c.4595A>G, p.Asn1532Ser (NM_001409305.1); c.4586A>G, p.Asn1529Ser (NM_001409306.1, NM_001409307.1); short protein forms N1492S, N1529S, N1532S, N1643S, N1783S.
Identifiers: ClinVar variation 4690170 (VCV004690170.1).

ClinVar aggregate classification (germline): Uncertain significance (1 of 4 stars; one submission).

Submission:

GeneDx
Classification: Uncertain significance. Last evaluated: 2025-08-01. Review status: criteria provided, single submitter. Criteria: GeneDx Variant Classification Process June 2021. Collection method: clinical testing. Allele origin: germline. Affected: yes.
Comment: Has not been previously published as pathogenic or benign to our knowledge; Not observed at significant frequency in large population cohorts (gnomAD); In silico analysis supports that this missense variant has a deleterious effect on protein structure/function